The following is an entry in ClinVar:

ClinVar aggregate classification (germline): Pathogenic/Likely pathogenic. Review status: criteria provided, multiple submitters, no conflicts (2 of 4 stars). 2 submissions from 2 submitters: Pathogenic (1); Likely pathogenic (1). Last evaluated 2024-06-26.

Submissions (2):

Labcorp Genetics (formerly Invitae), Labcorp
Classification: Pathogenic. Last evaluated: 2024-06-26. Review status: criteria provided, single submitter. Criteria: Invitae Variant Classification Sherloc (09022015). Collection method: clinical testing. Allele origin: germline.
Comment: This sequence change creates a premature translational stop signal (p.Glu234*) in the OPA1 gene. It is expected to result in an absent or disrupted protein product. Loss-of-function variants in OPA1 are known to be pathogenic (PMID: 11440988, 20157015, 20952381, 25012220). This variant is not present in population databases (gnomAD no frequency). This variant has not been reported in the literature in individuals affected with OPA1-related conditions. ClinVar contains an entry for this variant (Variation ID: 444623). Algorithms developed to predict the effect of sequence changes on RNA splicing suggest that this variant may disrupt the consensus splice site. For these reasons, this variant has been classified as Pathogenic.

CeGaT Center for Human Genetics Tuebingen
Classification: Likely pathogenic. Last evaluated: 2017-05-01. Review status: criteria provided, single submitter. Criteria: CeGaT Center For Human Genetics Tuebingen Variant Classification Criteria Version 2. Collection method: clinical testing. Allele origin: germline. Affected: yes. Observed: 1 variant allele.

Literature cited by the submitters: PubMed 11440988 (cited by Labcorp Genetics (formerly Invitae), Labcorp); PubMed 20157015 (cited by Labcorp Genetics (formerly Invitae), Labcorp); PubMed 20952381 (cited by Labcorp Genetics (formerly Invitae), Labcorp); PubMed 25012220 (cited by Labcorp Genetics (formerly Invitae), Labcorp).

NM_130837.3(OPA1):c.865G>T (p.Glu289Ter)

Gene: OPA1 (OPA1 mitochondrial dynamin like GTPase; plus strand). Cytogenetic location: 3q29.
Variant type: single nucleotide variant.
Coding change: c.865G>T on transcript NM_130837.3 (MANE Select); coding-DNA position 865, G replaced by T.
Protein change: p.Glu289Ter; replaces glutamic acid 289 with a stop codon.
Molecular consequence: nonsense.
Genome position (GRCh38, 1-based): chr3:193,635,439, G>T. VCF-style: chr3-193635439-G-T. GRCh37 (hg19) VCF-style: chr3-193353228-G-T.
Other names: c.331G>T, p.Glu111Ter (NM_001354663.2); c.328G>T, p.Glu110Ter (NM_001354664.2); c.700G>T, p.Glu234Ter (NM_015560.3); c.592G>T, p.Glu198Ter (NM_130831.3); c.646G>T, p.Glu216Ter (NM_130832.3); c.703G>T, p.Glu235Ter (NM_130833.3); c.754G>T, p.Glu252Ter (NM_130834.3); c.757G>T, p.Glu253Ter (NM_130835.3); and 1 more; short protein forms E234*, E289*, E111*, E198*, E235*, E271*, E110*, E216*.
Identifiers: ClinVar variation 444623 (VCV000444623.45), dbSNP rs1319065221, ClinGen allele CA355787292.